The following is an entry in ClinVar:

NM_000421.5(KRT10):c.49GGA[5] (p.Gly22_Gly24del)

Genes: KRT10 (keratin 10; minus strand), KRT10-AS1 (KRT10 antisense RNA 1; plus strand). Cytogenetic location: 17q21.2.
Variant type: Microsatellite.
Coding change: c.49GGA[5] on transcript NM_000421.5 (MANE Select); five copies in a row of the 3-base unit GGA starting at c.49; the reference has eight copies in a row; three copies, 9 bases deleted.
Protein change: p.Gly22_Gly24del.
Molecular consequence: inframe deletion.
Genome position (GRCh38, 1-based): chr17:40,822,514-40,822,522, TCCTCCTCC deleted on the plus strand (GGAGGAGGA on the coding strand, the reverse complement: KRT10 is on the minus strand); deleting any 9 consecutive bases within chr17:40,822,514-40,822,537 gives the same sequence; the position shown is the placement nearest the transcript's 3' end. VCF-style (leftmost placement, unchanged base first): chr17-40822513-ATCCTCCTCC-A. GRCh37 (hg19) VCF-style: chr17-38978765-ATCCTCCTCC-A.
Other names: c.49GGA[5], p.Gly22_Gly24del (NM_001379366.1).
Identifiers: ClinVar variation 4978482 (VCV004978482.1).

ClinVar aggregate classification (germline): Uncertain significance (1 of 4 stars; one submission).

Conditions:
KRT10-related disorder. Also called: KRT10-related condition.

Submission:

PreventionGenetics, part of Exact Sciences
Classification: Uncertain significance for KRT10-related condition. Last evaluated: 2025-10-22. Review status: criteria provided, single submitter. Criteria: ACMG Guidelines, 2015. Collection method: clinical testing. Allele origin: germline.
Comment: The KRT10 c.64_72del9 variant is predicted to result in an in-frame deletion (p.Gly22_Gly24del). To our knowledge, this variant has not been reported in the literature. This variant is reported in 0.019% of alleles in individuals of East Asian descent in gnomAD. At this time, the clinical significance of this variant is uncertain due to the absence of conclusive functional and genetic evidence.